The following is an entry in ClinVar:

NM_001845.6(COL4A1):c.1717A>C (p.Lys573Gln)

Gene: COL4A1 (collagen type IV alpha 1 chain; minus strand). Cytogenetic location: 13q34.
Variant type: single nucleotide variant.
Coding change: c.1717A>C on transcript NM_001845.6 (MANE Select); coding-DNA position 1717, A replaced by C.
Protein change: p.Lys573Gln; replaces lysine 573 with glutamine.
Molecular consequence: missense variant.
Genome position (GRCh38, 1-based): chr13:110,187,149, T>G on the plus strand (A>C on the coding strand, the complement: COL4A1 is on the minus strand). VCF-style: chr13-110187149-T-G. GRCh37 (hg19) VCF-style: chr13-110839496-T-G.
Other names: short protein forms K573Q.
Identifiers: ClinVar variation 1032008 (VCV001032008.2), dbSNP rs1006335866, ClinGen allele CA388722871.

ClinVar aggregate classification (germline): Uncertain significance. Review status: criteria provided, multiple submitters, no conflicts (2 of 4 stars). 2 submissions from 2 submitters: Uncertain significance (2). Last evaluated 2024-02-29.

Conditions:
Brain small vessel disease 1 with or without ocular anomalies (BSVD1). Also called: PORENCEPHALY, TYPE 1, AUTOSOMAL DOMINANT; BRAIN SMALL VESSEL DISEASE WITH HEMORRHAGE; Brain small vessel disease with or without ocular anomalies; GOULD SYNDROME 1. Identifiers: Orphanet 2940, Orphanet 36383, Orphanet 99810, MedGen C4755307, MONDO:0008289, OMIM 175780.
Hemorrhage, intracerebral, susceptibility to (ICH). Also called: Stroke, hemorrhagic, susceptibility to. Identifiers: MedGen C3281105, MONDO:0100533, OMIM 614519.
Autosomal dominant familial hematuria-retinal arteriolar tortuosity-contractures syndrome. Also called: Angiopathy, hereditary, with nephropathy, aneurysms, and muscle cramps; Hereditary Angiopathy with Nephropathy, Aneurysms, and Muscle Cramps (HANAC) Syndrome. Identifiers: Orphanet 73229, MedGen C2673195, MONDO:0012726, OMIM 611773.
Microangiopathy and leukoencephalopathy, pontine, autosomal dominant. Also called: DEMENTIA, HEREDITARY MULTI-INFARCT, SWEDISH TYPE; Pontine autosomal dominant microangiopathy with leukoencephalopathy. Identifiers: Orphanet 477749, MedGen C5231411, MONDO:0032814, OMIM 618564.
Retinal arterial tortuosity. Also called: RETINAL HEMORRHAGE WITH VASCULAR TORTUOSITY; Retinal arteries, tortuosity of. Identifiers: Orphanet 75326, MedGen C0423401, MONDO:0008373, OMIM 180000, HP:0000631.

Allele frequency attached by ClinVar (database versions not stated): TOPMed below 0.00001.
gnomAD v4.1: 4 of 1,614,016 alleles (0.00025%); highest among the groups gnomAD compares: Non-Finnish European, 0.00034%; no homozygotes.

Submissions (2):

Fulgent Genetics
Classification: Uncertain significance for Brain small vessel disease 1 with or without ocular anomalies; Retinal arterial tortuosity; Autosomal dominant familial hematuria-retinal arteriolar tortuosity-contractures syndrome; Hemorrhage, intracerebral, susceptibility to; Microangiopathy and leukoencephalopathy, pontine, autosomal dominant. Last evaluated: 2024-02-29. Review status: criteria provided, single submitter. Criteria: ACMG Guidelines, 2015. Collection method: clinical testing. Allele origin: germline.

Baylor Genetics
Classification: Uncertain significance for Autosomal dominant familial hematuria-retinal arteriolar tortuosity-contractures syndrome. Last evaluated: 2018-06-12. Review status: criteria provided, single submitter. Criteria: ACMG Guidelines, 2015. Collection method: clinical testing. Allele origin: paternal. Affected: yes.
Comment: This variant was determined to be of uncertain significance according to ACMG Guidelines, 2015 [PMID:25741868].